The following is an entry in ClinVar:

NM_033380.3(COL4A5):c.3152G>T (p.Gly1051Val)

Gene: COL4A5 (collagen type IV alpha 5 chain; plus strand). Cytogenetic location: Xq22.3.
Variant type: single nucleotide variant.
Coding change: c.3152G>T on transcript NM_033380.3 (MANE Select); coding-DNA position 3152, G replaced by T.
Protein change: p.Gly1051Val; replaces glycine 1051 with valine.
Molecular consequence: missense variant.
Genome position (GRCh38, 1-based): chrX:108,626,255, G>T. VCF-style: chrX-108626255-G-T. GRCh37 (hg19) VCF-style: chrX-107869485-G-T.
Other names: c.3152G>T, p.Gly1051Val (NM_000495.5); short protein forms G1051V.
Identifiers: ClinVar variation 1179037 (VCV001179037.2), dbSNP rs1603298993, ClinGen allele CA413854932.

ClinVar aggregate classification (germline): Likely pathogenic (1 of 4 stars; one submission).

Conditions:
X-linked Alport syndrome (ATS1). Also called: COL4A5-Related Nephropathy; NEPHROPATHY AND DEAFNESS, X-LINKED. Identifiers: Orphanet 63, Orphanet 88917, MedGen C4746986, MONDO:0010520, OMIM 301050.

Submission:

Fulgent Genetics
Classification: Likely pathogenic for X-linked Alport syndrome. Last evaluated: 2021-06-30. Review status: criteria provided, single submitter. Criteria: ACMG Guidelines, 2015. Collection method: clinical testing. Allele origin: unknown.
Comment: This variant has been detected in individual(s) who were sent for testing of Renasight - kidney gene panel.